The following is an entry in ClinVar:

NM_198904.4(GABRG2):c.*261G>A

Gene: GABRG2 (gamma-aminobutyric acid type A receptor subunit gamma2; plus strand). Cytogenetic location: 5q34.
Variant type: single nucleotide variant.
Coding change: c.*261G>A on transcript NM_198904.4 (MANE Select); 261 bases downstream of the stop codon, G replaced by A.
Molecular consequence: 3 prime UTR variant.
Genome position (GRCh38, 1-based): chr5:162,153,629, G>A. VCF-style: chr5-162153629-G-A. GRCh37 (hg19) VCF-style: chr5-161580635-G-A.
Other names: c.*261G>A (NM_000816.3, NM_001375339.1, NM_001375341.1 and 10 more transcripts); c.*523G>A (NM_001375340.1).
Identifiers: ClinVar variation 352650 (VCV000352650.6), dbSNP rs148001179, ClinGen allele CA10619932.
Genomic context (GRCh38, chr5:162,153,629, plus strand): 5'-GCTGTGTTTCAAACCTGCAAGGCAAAGTAAAATTAGAGCAAGAACATTCAAACCAAATAA[G>A]ATATTTTTCAGCTACAGCAAATAAAACAGTGAAAGCCCTGACTATTTACAGTAGTGGTAT-3'

ClinVar aggregate classification (germline): Likely benign. Review status: criteria provided, multiple submitters, no conflicts (2 of 4 stars). 2 submissions from 2 submitters: Likely benign (2). Last evaluated 2018-01-13.

Conditions:
EPILEPSY, CHILDHOOD ABSENCE, SUSCEPTIBILITY TO, 2 (ECA2). Identifiers: Orphanet 64280, MedGen C1843244, OMIM 607681.

Allele frequency attached by ClinVar (database versions not stated): gnomAD 0.00153 and 0.00172; TOPMed 0.00198; gnomAD exomes 0.00291; 1000 Genomes Project 30x 0.00484; 1000 Genomes Project 0.00539.
gnomAD v4.1: 1,445 of 555,610 alleles (0.26%); highest among the groups gnomAD compares: East Asian, 2.7%; 20 homozygotes.

Submissions (2):

Illumina Laboratory Services, Illumina
Classification: Likely benign for Febrile seizures, familial, 8. Last evaluated: 2018-01-13. Review status: criteria provided, single submitter. Criteria: ICSL Variant Classification Criteria 13 December 2019. Collection method: clinical testing. Allele origin: germline.
Comment: This variant was observed in the ICSL laboratory as part of a predisposition screen in an ostensibly healthy population. It had not been previously curated by ICSL or reported in the Human Gene Mutation Database (HGMD: prior to June 1st, 2018), and was therefore a candidate for classification through an automated scoring system. Utilizing variant allele frequency, disease prevalence and penetrance estimates, and inheritance mode, an automated score was calculated to assess if this variant is too frequent to cause the disease. Based on the score and internal cut-off values, a variant classified as likely benign is not then subjected to further curation. The score for this variant resulted in a classification of likely benign for this disease.

Breakthrough Genomics
Classification: Likely benign. Review status: criteria provided, single submitter. Criteria: ACMG Guidelines, 2015. Collection method: not provided. Allele origin: germline. Inheritance: Autosomal dominant inheritance. Affected: yes.